The following is an entry in ClinVar:

ClinVar aggregate classification (germline): Uncertain significance. Review status: criteria provided, multiple submitters, no conflicts (2 of 4 stars). 2 submissions from 2 submitters: Uncertain significance (2). Last evaluated 2025-10-17.

Allele frequency attached by ClinVar (database versions not stated): TOPMed below 0.00001.

Submissions (2):

Dasa
Classification: Uncertain significance. Last evaluated: 2025-10-17. Review status: criteria provided, single submitter. Criteria: DASA Assertion Criteria. Collection method: clinical testing. Allele origin: germline.
Comment: NM_002430.3(MN1):c.481G>A (p.Gly161Arg) is a missense variant that results in the substitution of glycine with arginine. This variant is rare in population databases. Computational prediction algorithms are consistent with a benign effect. The currently available literature and clinical evidence are not sufficient to establish a definitive association between this variant and the reported condition. Therefore, this variant is classified as a variant of uncertain significance.

GeneDx
Classification: Uncertain significance. Last evaluated: 2022-12-08. Review status: criteria provided, single submitter. Criteria: GeneDx Variant Classification Process June 2021. Collection method: clinical testing. Allele origin: germline. Affected: yes.
Comment: In silico analysis supports that this missense variant has a deleterious effect on protein structure/function; Has not been previously published as pathogenic or benign to our knowledge; Not observed at significant frequency in large population cohorts (gnomAD)

NM_002430.3(MN1):c.481G>A (p.Gly161Arg)

Gene: MN1 (MN1 proto-oncogene, transcriptional regulator; minus strand). Cytogenetic location: 22q12.1.
Variant type: single nucleotide variant.
Coding change: c.481G>A on transcript NM_002430.3 (MANE Select); coding-DNA position 481, G replaced by A.
Protein change: p.Gly161Arg; replaces glycine 161 with arginine.
Molecular consequence: missense variant.
Genome position (GRCh38, 1-based): chr22:27,800,063, C>T on the plus strand (G>A on the coding strand, the complement: MN1 is on the minus strand). VCF-style: chr22-27800063-C-T. GRCh37 (hg19) VCF-style: chr22-28196051-C-T.
Other names: short protein forms G161R.
Identifiers: ClinVar variation 1711887 (VCV001711887.4), dbSNP rs1287008202, ClinGen allele CA411051209.